The following is an entry in ClinVar:

ClinVar aggregate classification (germline): Uncertain significance (1 of 4 stars; one submission).

gnomAD v4.1: 4 of 1,614,124 alleles (0.00025%); highest among the groups gnomAD compares: Non-Finnish European, 0.00034%; no homozygotes.

Submission:

Labcorp Genetics (formerly Invitae), Labcorp
Classification: Uncertain significance. Last evaluated: 2022-10-13. Review status: criteria provided, single submitter. Criteria: Invitae Variant Classification Sherloc (09022015). Collection method: clinical testing. Allele origin: germline.
Comment: This sequence change replaces alanine, which is neutral and non-polar, with glycine, which is neutral and non-polar, at codon 521 of the USH1C protein (p.Ala521Gly). This variant is present in population databases (rs766575368, gnomAD 0.002%). This variant has not been reported in the literature in individuals affected with USH1C-related conditions. Algorithms developed to predict the effect of missense changes on protein structure and function (SIFT, PolyPhen-2, Align-GVGD) all suggest that this variant is likely to be tolerated. In summary, the available evidence is currently insufficient to determine the role of this variant in disease. Therefore, it has been classified as a Variant of Uncertain Significance.

NM_153676.4(USH1C):c.2462C>G (p.Ala821Gly)

Gene: USH1C (USH1 protein network component harmonin; minus strand). Cytogenetic location: 11p15.1.
Variant type: single nucleotide variant.
Coding change: c.2462C>G on transcript NM_153676.4 (MANE Select); coding-DNA position 2462, C replaced by G.
Protein change: p.Ala821Gly; replaces alanine 821 with glycine.
Molecular consequence: missense variant. On other transcripts: non-coding transcript variant (1).
Genome position (GRCh38, 1-based): chr11:17,498,190, G>C on the plus strand (C>G on the coding strand, the complement: USH1C is on the minus strand). VCF-style: chr11-17498190-G-C. GRCh37 (hg19) VCF-style: chr11-17519737-G-C.
Other names: c.1505C>G, p.Ala502Gly (NM_001297764.2); c.1562C>G, p.Ala521Gly (NM_005709.4); short protein forms A521G, A502G, A821G.
Identifiers: ClinVar variation 2089076 (VCV002089076.1), dbSNP rs766575368, ClinGen allele CA5904158.